The following is an entry in ClinVar:

NM_016252.4(BIRC6):c.10716A>G (p.Gln3572=)

Gene: BIRC6 (baculoviral IAP repeat containing 6; plus strand). Cytogenetic location: 2p22.3.
Variant type: single nucleotide variant.
Coding change: c.10716A>G on transcript NM_016252.4 (MANE Select); coding-DNA position 10716, A replaced by G.
Protein change: p.Gln3572=; no amino-acid change (glutamine 3572 retained).
Molecular consequence: synonymous variant.
Genome position (GRCh38, 1-based): chr2:32,515,137, A>G. VCF-style: chr2-32515137-A-G. GRCh37 (hg19) VCF-style: chr2-32740204-A-G.
Other names: NC_000002.11:g.32740204A>G; c.10716A>G (NM_016252.3); c.10713A>G, p.Gln3571= (NM_001378125.1).
Identifiers: ClinVar variation 2650816 (VCV002650816.26), dbSNP rs61754132, ClinGen allele CA1604847.
Genomic context (GRCh38, chr2:32,515,137, plus strand): 5'-ACACCCAAACTATTTTTCTTTGCTCATGGGCTGGATGGGAATTACCCCTCCTCCAGTGCA[A>G]TGTCATCATAGACTGTCCATGACAGATGATAGCAAAAAGCAGGATCTTAGTTCATCTTTA-3'
Protein context (NP_057336.3, residues 3562-3582): GWMGITPPPV[Gln3572=]CHHRLSMTDD

ClinVar aggregate classification (germline): Likely benign. Review status: criteria provided, single submitter (1 of 4 stars). 2 submissions from 2 submitters: Likely benign (1). 1 of the submissions does not count toward it. Last evaluated 2023-01-01.

Conditions:
BIRC6-related disorder. Also called: BIRC6-related condition.

Allele frequency attached by ClinVar (database versions not stated): 1000 Genomes Project 30x 0.00031; 1000 Genomes Project 0.00040; TOPMed 0.00216; gnomAD 0.00303; ESP Exome Variant Server 0.00315.
gnomAD v4.1: 6,731 of 1,613,990 alleles (0.42%); highest among the groups gnomAD compares: Non-Finnish European, 0.46%; 28 homozygotes.

Submissions (3):

CeGaT Center for Human Genetics Tuebingen
Classification: Likely benign. Last evaluated: 2023-01-01. Review status: criteria provided, single submitter. Criteria: CeGaT Center For Human Genetics Tuebingen Variant Classification Criteria Version 2. Collection method: clinical testing. Allele origin: germline. Affected: yes. Observed: 2 variant alleles.
Comment: BIRC6: BP4, BP7

PreventionGenetics, part of Exact Sciences
Classification: Likely benign for BIRC6-related condition. Last evaluated: 2021-03-15. Review status: no assertion criteria provided. Collection method: clinical testing. Allele origin: germline. Not counted in ClinVar's aggregate classification.
Comment: This variant is classified as likely benign based on ACMG/AMP sequence variant interpretation guidelines (Richards et al. 2015 PMID: 25741868, with internal and published modifications).

Dr. Peter K. Rogan Lab, Western University
No classification provided (evidence only). Condition: Malignant tumor of urinary bladder. Review status: no classification provided. Collection method: in vitro. Allele origin: not applicable. Functional consequence: skipped exon. Not counted in ClinVar's aggregate classification.